The following is an entry in ClinVar:

NM_004444.5(EPHB4):c.291C>G (p.Cys97Trp)

Gene: EPHB4 (EPH receptor B4; minus strand). Cytogenetic location: 7q22.1.
Variant type: single nucleotide variant.
Coding change: c.291C>G on transcript NM_004444.5 (MANE Select); coding-DNA position 291, C replaced by G.
Protein change: p.Cys97Trp; replaces cysteine 97 with tryptophan.
Molecular consequence: missense variant.
Genome position (GRCh38, 1-based): chr7:100,823,764, G>C on the plus strand (C>G on the coding strand, the complement: EPHB4 is on the minus strand). VCF-style: chr7-100823764-G-C. GRCh37 (hg19) VCF-style: chr7-100421386-G-C.
Other names: short protein forms C97W.
Identifiers: ClinVar variation 2565155 (VCV002565155.2), dbSNP rs2485049403, ClinGen allele CA368583028.

ClinVar aggregate classification (germline): Uncertain significance (1 of 4 stars; one submission).

Conditions:
Cardiovascular phenotype. Identifiers: MedGen CN230736.

Submission:

Ambry Genetics
Classification: Uncertain significance for Cardiovascular phenotype. Last evaluated: 2023-05-27. Review status: criteria provided, single submitter. Criteria: Ambry Variant Classification Scheme 2023. Collection method: clinical testing. Allele origin: germline.
Comment: The p.C97W variant (also known as c.291C>G), located in coding exon 3 of the EPHB4 gene, results from a C to G substitution at nucleotide position 291. The cysteine at codon 97 is replaced by tryptophan, an amino acid with highly dissimilar properties. This amino acid position is conserved. In addition, the in silico prediction for this alteration is inconclusive. Since supporting evidence is limited at this time, the clinical significance of this alteration remains unclear.